The following is an entry in ClinVar:

NM_000426.4(LAMA2):c.4471G>A (p.Asp1491Asn)

Gene: LAMA2 (laminin subunit alpha 2; plus strand). Cytogenetic location: 6q22.33.
Variant type: single nucleotide variant.
Coding change: c.4471G>A on transcript NM_000426.4 (MANE Select); coding-DNA position 4471, G replaced by A.
Protein change: p.Asp1491Asn; replaces aspartic acid 1491 with asparagine.
Molecular consequence: missense variant.
Genome position (GRCh38, 1-based): chr6:129,349,332, G>A. VCF-style: chr6-129349332-G-A. GRCh37 (hg19) VCF-style: chr6-129670477-G-A.
Other names: p.Asp1491Asn; c.4471G>A, p.Asp1491Asn (NM_001079823.2); short protein forms D1491N.
Identifiers: ClinVar variation 449238 (VCV000449238.23), dbSNP rs375640462, ClinGen allele CA3993565.

ClinVar aggregate classification (germline): Conflicting classifications of pathogenicity. Review status: criteria provided, conflicting classifications (1 of 4 stars). 7 submissions from 6 submitters: Uncertain significance (5); Likely benign (2). Last evaluated 2026-01-11.

Conditions:
LAMA2-related muscular dystrophy (LAMA2-RD). Also called: Laminin alpha 2-related dystrophy. Identifiers: MedGen C5679788, MONDO:0100228.
Merosin deficient congenital muscular dystrophy (MDC1A). Also called: Congenital Muscular Dystrophy Type 1A (MDC1A); Congenital merosin-deficient muscular dystrophy 1A. Identifiers: Orphanet 258, MedGen C1263858, MONDO:0011925, OMIM 607855.

Allele frequency attached by ClinVar (database versions not stated): gnomAD 0.00003 and 0.00009; TOPMed 0.00005; ESP Exome Variant Server 0.00008; gnomAD exomes 0.00010 and 0.00018; ExAC 0.00023; 1000 Genomes Project 30x 0.00047; 1000 Genomes Project 0.00060.
gnomAD v4.1: 159 of 1,613,436 alleles (0.0099%); highest among the groups gnomAD compares: South Asian, 0.12%; no homozygotes.

Submissions (7):

Labcorp Genetics (formerly Invitae), Labcorp
Classification: Likely benign for LAMA2-related muscular dystrophy. Last evaluated: 2026-01-11. Review status: criteria provided, single submitter. Criteria: Invitae Variant Classification Sherloc (09022015). Collection method: clinical testing. Allele origin: germline.

Mayo Clinic Laboratories, Mayo Clinic
Classification: Uncertain significance. Last evaluated: 2023-08-08. Review status: criteria provided, single submitter. Criteria: ACMG Guidelines, 2015. Collection method: clinical testing. Allele origin: germline. Observed: 1 variant allele.
Comment: BP4

Revvity Omics, Revvity
Classification: Uncertain significance. Last evaluated: 2021-12-13. Review status: criteria provided, single submitter. Criteria: ACMG Guidelines, 2015. Collection method: clinical testing. Allele origin: germline.

GeneDx
Classification: Likely benign. Last evaluated: 2020-02-24. Review status: criteria provided, single submitter. Criteria: GeneDx Variant Classification Process June 2021. Collection method: clinical testing. Allele origin: germline. Affected: yes.

Genomic Research Center, Shahid Beheshti University of Medical Sciences
Classification: Uncertain significance for Laminin alpha 2-related dystrophy. Last evaluated: 2018-08-07. Review status: criteria provided, single submitter. Criteria: ACMG Guidelines, 2015. Collection method: clinical testing. Allele origin: inherited. Affected: no. Observed: 1 variant allele.

Genomic Research Center, Shahid Beheshti University of Medical Sciences
Classification: Uncertain significance for Merosin deficient congenital muscular dystrophy. Last evaluated: 2018-08-07. Review status: criteria provided, single submitter. Criteria: ACMG Guidelines, 2015. Collection method: clinical testing. Allele origin: inherited. Affected: no. Observed: 1 variant allele.

Genetic Services Laboratory, University of Chicago
Classification: Uncertain significance. Last evaluated: 2017-11-15. Review status: criteria provided, single submitter. Criteria: ACMG Guidelines, 2015. Collection method: clinical testing. Allele origin: germline. Affected: no.